The following is an entry in ClinVar:

ClinVar aggregate classification (germline): Uncertain significance. Review status: criteria provided, multiple submitters, no conflicts (2 of 4 stars). 2 submissions from 2 submitters: Uncertain significance (2). Last evaluated 2024-12-29.

Conditions:
Idiopathic Pulmonary Fibrosis. Also called: Idiopathic fibrosing alveolitis, chronic form; idiopathic fibrosing alveolitis. Identifiers: Orphanet 2032, MedGen C1800706, MeSH D054990, MONDO:0800504.
Dyskeratosis congenita, autosomal dominant 2. Identifiers: MedGen C3151443, MONDO:0013521, OMIM 613989.
Dyskeratosis congenita. Identifiers: Orphanet 1775, MedGen C0265965, MONDO:0015780.

Submissions (2):

Ambry Genetics
Classification: Uncertain significance for Dyskeratosis congenita. Last evaluated: 2024-12-29. Review status: criteria provided, single submitter. Criteria: Ambry Variant Classification Scheme 2023. Collection method: clinical testing. Allele origin: germline.
Comment: The p.K94N variant (also known as c.282G>T), located in coding exon 2 of the TERT gene, results from a G to T substitution at nucleotide position 282. The lysine at codon 94 is replaced by asparagine, an amino acid with similar properties. This amino acid position is conserved. In addition, this alteration is predicted to be tolerated by in silico analysis. Based on the available evidence, the clinical significance of this variant remains unclear.

Labcorp Genetics (formerly Invitae), Labcorp
Classification: Uncertain significance for Dyskeratosis congenita, autosomal dominant 2; Idiopathic Pulmonary Fibrosis. Last evaluated: 2022-02-24. Review status: criteria provided, single submitter. Criteria: Invitae Variant Classification Sherloc (09022015). Collection method: clinical testing. Allele origin: germline.
Comment: This sequence change replaces lysine, which is basic and polar, with asparagine, which is neutral and polar, at codon 94 of the TERT protein (p.Lys94Asn). This variant is not present in population databases (gnomAD no frequency). This variant has not been reported in the literature in individuals affected with TERT-related conditions. ClinVar contains an entry for this variant (Variation ID: 960177). Algorithms developed to predict the effect of missense changes on protein structure and function (SIFT, PolyPhen-2, Align-GVGD) all suggest that this variant is likely to be tolerated. In summary, the available evidence is currently insufficient to determine the role of this variant in disease. Therefore, it has been classified as a Variant of Uncertain Significance.

NM_198253.3(TERT):c.282G>T (p.Lys94Asn)

Gene: TERT (telomerase reverse transcriptase; minus strand). Cytogenetic location: 5p15.33.
Variant type: single nucleotide variant.
Coding change: c.282G>T on transcript NM_198253.3 (MANE Select); coding-DNA position 282, G replaced by T.
Protein change: p.Lys94Asn; replaces lysine 94 with asparagine.
Molecular consequence: missense variant. On other transcripts: non-coding transcript variant (2).
Genome position (GRCh38, 1-based): chr5:1,294,604, C>A on the plus strand (G>T on the coding strand, the complement: TERT is on the minus strand). VCF-style: chr5-1294604-C-A. GRCh37 (hg19) VCF-style: chr5-1294719-C-A.
Other names: c.282G>T, p.Lys94Asn (NM_001193376.3); short protein forms K94N.
Identifiers: ClinVar variation 960177 (VCV000960177.11), dbSNP rs1751268163, ClinGen allele CA359058516.
Genomic context (GRCh38, chr5:1,294,604, plus strand): 5'-GGCCTCGGGGGGGCCCCCGCGGGCCCCGTCCAGCAGCGCGAAGCCGAAGGCCAGCACGTT[C>A]TTCGCGCCGCGCTCGCACAGCCTCTGCAGCACTCGGGCCACCAGCTCCTTCAGGCAGGAC-3'
Protein context (NP_937983.2, residues 84-104): VLQRLCERGA[Lys94Asn]NVLAFGFALL